The following is an entry in ClinVar:

ClinVar aggregate classification (germline): Benign. Review status: criteria provided, multiple submitters, no conflicts (2 of 4 stars). 5 submissions from 3 submitters: Benign (5). Last evaluated 2021-07-01.

Conditions:
Usher syndrome type 1 (USH1). Also called: RETINITIS PIGMENTOSA AND CONGENITAL DEAFNESS. Identifiers: Orphanet 231169, Orphanet 886, MedGen C1568247, MONDO:0010168, OMIM 276900.
Autosomal dominant nonsyndromic hearing loss 11. Identifiers: Orphanet 90635, MedGen C1832475, MONDO:0011032, OMIM 601317.
Autosomal recessive nonsyndromic hearing loss 2. Also called: DEAFNESS, AUTOSOMAL RECESSIVE 2; NEUROSENSORY NONSYNDROMIC RECESSIVE DEAFNESS 2. Identifiers: Orphanet 90636, MedGen C1838701, MONDO:0010807, OMIM 600060.

Allele frequency attached by ClinVar (database versions not stated): 1000 Genomes Project 0.55112; gnomAD exomes 0.55546; 1000 Genomes Project 30x 0.55746; gnomAD 0.59158 and 0.60184; TOPMed 0.59799.
gnomAD v4.1: 796,998 of 1,427,390 alleles (56%); highest among the groups gnomAD compares: African/African-American, 68%; 225,452 homozygotes.

Submissions (5):

Genome-Nilou Lab
Classification: Benign for Autosomal dominant nonsyndromic hearing loss 11. Last evaluated: 2021-07-01. Review status: criteria provided, single submitter. Criteria: ACMG Guidelines, 2015. Collection method: clinical testing. Allele origin: germline. Affected: no.

Genome-Nilou Lab
Classification: Benign for Autosomal recessive nonsyndromic hearing loss 2. Last evaluated: 2021-07-01. Review status: criteria provided, single submitter. Criteria: ACMG Guidelines, 2015. Collection method: clinical testing. Allele origin: germline. Affected: no.

Genome-Nilou Lab
Classification: Benign for Usher syndrome type 1. Last evaluated: 2021-07-01. Review status: criteria provided, single submitter. Criteria: ACMG Guidelines, 2015. Collection method: clinical testing. Allele origin: germline. Affected: no.

GeneDx
Classification: Benign. Last evaluated: 2018-06-13. Review status: criteria provided, single submitter. Criteria: GeneDx Variant Classification (06012015). Collection method: clinical testing. Allele origin: germline. Affected: yes.
Comment: This variant is considered likely benign or benign based on one or more of the following criteria: it is a conservative change, it occurs at a poorly conserved position in the protein, it is predicted to be benign by multiple in silico algorithms, and/or has population frequency not consistent with disease.

Breakthrough Genomics
Classification: Benign. Review status: criteria provided, single submitter. Criteria: ACMG Guidelines, 2015. Collection method: not provided. Allele origin: germline. Inheritance: Autosomal recessive inheritance. Affected: yes.

NM_000260.4(MYO7A):c.2367+67T>C

Gene: MYO7A (myosin VIIA; plus strand). Cytogenetic location: 11q13.5.
Variant type: single nucleotide variant.
Coding change: c.2367+67T>C on transcript NM_000260.4 (MANE Select); 67 bases into the intron after coding-DNA position 2367, T replaced by C.
Molecular consequence: intron variant.
Genome position (GRCh38, 1-based): chr11:77,179,196, T>C. VCF-style: chr11-77179196-T-C. GRCh37 (hg19) VCF-style: chr11-76890242-T-C.
Other names: c.2334+67T>C (NM_001369365.1); c.2367+67T>C (NM_001127180.2).
Identifiers: ClinVar variation 670355 (VCV000670355.5), dbSNP rs10793239, ClinGen allele CA13464820.